The following is an entry in ClinVar:

ClinVar aggregate classification (germline): Uncertain significance (1 of 4 stars; one submission).

gnomAD v4.1: 13 of 1,614,220 alleles (0.00081%); highest among the groups gnomAD compares: East Asian, 0.0022%; no homozygotes.

Submission:

GeneDx
Classification: Uncertain significance. Last evaluated: 2020-11-16. Review status: criteria provided, single submitter. Criteria: GeneDx Variant Classification Process June 2021. Collection method: clinical testing. Allele origin: germline. Affected: yes.
Comment: Not observed at a significant frequency in large population cohorts (Lek et al., 2016); Has not been previously published as pathogenic or benign to our knowledge

NM_020320.5(RARS2):c.-1C>G

Gene: RARS2 (arginyl-tRNA synthetase 2, mitochondrial; minus strand). Cytogenetic location: 6q15.
Variant type: single nucleotide variant.
Coding change: c.-1C>G on transcript NM_020320.5 (MANE Select); 1 bases upstream of the start codon, C replaced by G.
Molecular consequence: 5 prime UTR variant. On other transcripts: non-coding transcript variant (23).
Genome position (GRCh38, 1-based): chr6:87,589,958, G>C on the plus strand (C>G on the coding strand, the complement: RARS2 is on the minus strand). VCF-style: chr6-87589958-G-C. GRCh37 (hg19) VCF-style: chr6-88299676-G-C.
Other names: c.-691C>G (NM_001318785.2); c.-1C>G (NM_001350505.2); c.-747C>G (NM_001350506.2, NM_001350510.2); c.-870C>G (NM_001350507.2); c.-909C>G (NM_001350508.2); c.-617C>G (NM_001350509.2); c.-866C>G (NM_001350511.2).
Identifiers: ClinVar variation 1209227 (VCV001209227.3), dbSNP rs746862871, ClinGen allele CA568695218.